The following is an entry in ClinVar:

ClinVar aggregate classification (germline): Uncertain significance (1 of 4 stars; one submission).

Conditions:
Neurofibromatosis, type 1 (NF1). Also called: Neurofibromatosis, type I; Peripheral type neurofibromatosis; VON RECKLINGHAUSEN DISEASE; NEUROFIBROMATOSIS, TYPE I, SOMATIC. Identifiers: Orphanet 636, MedGen C0027831, MONDO:0018975, OMIM 162200. Disease mechanism: loss of function.

Submission:

Labcorp Genetics (formerly Invitae), Labcorp
Classification: Uncertain significance for Neurofibromatosis, type 1. Last evaluated: 2021-03-15. Review status: criteria provided, single submitter. Criteria: Invitae Variant Classification Sherloc (09022015). Collection method: clinical testing. Allele origin: germline.
Comment: This variant has not been reported in the literature in individuals with NF1-related conditions. In summary, the available evidence is currently insufficient to determine the role of this variant in disease. Therefore, it has been classified as a Variant of Uncertain Significance. Algorithms developed to predict the effect of missense changes on protein structure and function are either unavailable or do not agree on the potential impact of this missense change (SIFT: "Deleterious"; PolyPhen-2: "Probably Damaging"; Align-GVGD: "Class C0"). This variant is not present in population databases (ExAC no frequency). This sequence change replaces valine with glycine at codon 2105 of the NF1 protein (p.Val2105Gly). The valine residue is moderately conserved and there is a moderate physicochemical difference between valine and glycine.

NM_001042492.3(NF1):c.6377T>G (p.Val2126Gly)

Gene: NF1 (neurofibromin 1; plus strand). Cytogenetic location: 17q11.2.
Variant type: single nucleotide variant.
Coding change: c.6377T>G on transcript NM_001042492.3 (MANE Select); coding-DNA position 6377, T replaced by G.
Protein change: p.Val2126Gly; replaces valine 2126 with glycine.
Molecular consequence: missense variant.
Genome position (GRCh38, 1-based): chr17:31,336,864, T>G. VCF-style: chr17-31336864-T-G. GRCh37 (hg19) VCF-style: chr17-29663882-T-G.
Other names: c.6314T>G, p.Val2105Gly (NM_000267.4); short protein forms V2105G, V2126G.
Identifiers: ClinVar variation 967292 (VCV000967292.6), dbSNP rs1597843145, ClinGen allele CA399012858.